The following is an entry in ClinVar:

ClinVar aggregate classification (germline): Uncertain significance (1 of 4 stars; one submission).

Allele frequency attached by ClinVar (database versions not stated): TOPMed below 0.00001; gnomAD exomes below 0.00001.
gnomAD v4.1: 2 of 1,614,032 alleles (0.00012%); highest among the groups gnomAD compares: Admixed American, 0.0017%; no homozygotes.

Submission:

Labcorp Genetics (formerly Invitae), Labcorp
Classification: Uncertain significance. Last evaluated: 2022-01-12. Review status: criteria provided, single submitter. Criteria: Invitae Variant Classification Sherloc (09022015). Collection method: clinical testing. Allele origin: germline.
Comment: Algorithms developed to predict the effect of missense changes on protein structure and function are either unavailable or do not agree on the potential impact of this missense change (SIFT: "Tolerated"; PolyPhen-2: "Probably Damaging"; Align-GVGD: "Class C0"). This variant has not been reported in the literature in individuals affected with LRRC10-related conditions. This variant is not present in population databases (gnomAD no frequency). This sequence change replaces tryptophan, which is neutral and slightly polar, with arginine, which is basic and polar, at codon 240 of the LRRC10 protein (p.Trp240Arg). In summary, the available evidence is currently insufficient to determine the role of this variant in disease. Therefore, it has been classified as a Variant of Uncertain Significance.

NM_201550.4(LRRC10):c.718T>C (p.Trp240Arg)

Gene: LRRC10 (leucine rich repeat containing 10; minus strand). Cytogenetic location: 12q15.
Variant type: single nucleotide variant.
Coding change: c.718T>C on transcript NM_201550.4 (MANE Select); coding-DNA position 718, T replaced by C.
Protein change: p.Trp240Arg; replaces tryptophan 240 with arginine.
Molecular consequence: missense variant.
Genome position (GRCh38, 1-based): chr12:69,610,121, A>G on the plus strand (T>C on the coding strand, the complement: LRRC10 is on the minus strand). VCF-style: chr12-69610121-A-G. GRCh37 (hg19) VCF-style: chr12-70003901-A-G.
Other names: short protein forms W240R.
Identifiers: ClinVar variation 2160239 (VCV002160239.4), dbSNP rs1278027435, ClinGen allele CA385735508.